The following is an entry in ClinVar:

ClinVar aggregate classification (germline): Uncertain significance. Review status: criteria provided, multiple submitters, no conflicts (2 of 4 stars). 3 submissions from 3 submitters: Uncertain significance (3). Last evaluated 2023-05-08.

Conditions:
Inborn genetic diseases. Identifiers: MedGen C0950123, MeSH D030342.

Allele frequency attached by ClinVar (database versions not stated): gnomAD exomes 0.00001 and 0.00002; TOPMed 0.00001; gnomAD 0.00002.

Submissions (3):

Ambry Genetics
Classification: Uncertain significance for Inborn genetic diseases. Last evaluated: 2023-05-08. Review status: criteria provided, single submitter. Criteria: Ambry Variant Classification Scheme 2023. Collection method: clinical testing. Allele origin: germline.

Women's Health and Genetics/Laboratory Corporation of America, LabCorp
Classification: Uncertain significance. Last evaluated: 2022-07-20. Review status: criteria provided, single submitter. Criteria: LabCorp Variant Classification Summary - May 2015. Collection method: clinical testing. Allele origin: germline.
Comment: Variant summary: RBM10 c.457G>A (p.Gly153Ser) results in a non-conservative amino acid change located in the RNA recognition motif domain (IPR000504) of the encoded protein sequence. Four of five in-silico tools predict a damaging effect of the variant on protein function. The variant allele was found at a frequency of 5.5e-06 in 183326 control chromosomes (gnomAD). The available data on variant occurrences in the general population are insufficient to allow any conclusion about variant significance. To our knowledge, no occurrence of c.457G>A in individuals affected with TARP Syndrome and no experimental evidence demonstrating its impact on protein function have been reported. One clinical diagnostic laboratory has submitted an assessment for this variant to ClinVar after 2014 and classified the variant as uncertain significance. Based on the evidence outlined above, the variant was classified as uncertain significance.

GeneDx
Classification: Uncertain significance. Last evaluated: 2017-06-19. Review status: criteria provided, single submitter. Criteria: GeneDx Variant Classification (06012015). Collection method: clinical testing. Allele origin: germline. Affected: yes.
Comment: The G153S variant in the RBM10 gene has not been reported previously as a pathogenic variant, nor as a benign variant, to our knowledge. This variant is not observed in large population cohorts (Lek et al., 2016; 1000 Genomes Consortium et al., 2015; Exome Variant Server). The G153S variant is a non-conservative amino acid substitution, which is likely to impact secondary protein structure as these residues differ in polarity, charge, size and/or other properties. This substitution occurs at a position that is conserved across species, and in silico analysis predicts this variant is probably damaging to the protein structure/function. Based on currently available evidence, we interpret G153S as a variant of uncertain significance.

NM_005676.5(RBM10):c.457G>A (p.Gly153Ser)

Gene: RBM10 (RNA binding motif protein 10; plus strand). Cytogenetic location: Xp11.3.
Variant type: single nucleotide variant.
Coding change: c.457G>A on transcript NM_005676.5 (MANE Select); coding-DNA position 457, G replaced by A.
Protein change: p.Gly153Ser; replaces glycine 153 with serine.
Molecular consequence: missense variant.
Genome position (GRCh38, 1-based): chrX:47,173,152, G>A. VCF-style: chrX-47173152-G-A. GRCh37 (hg19) VCF-style: chrX-47032551-G-A.
Other names: c.226G>A, p.Gly76Ser (NM_001204466.2, NM_152856.3); c.457G>A, p.Gly153Ser (NM_001204467.2); c.652G>A, p.Gly218Ser (NM_001204468.2); short protein forms G153S, G76S, G218S.
Identifiers: ClinVar variation 432653 (VCV000432653.5), dbSNP rs1198280152, ClinGen allele CA412793337.